The following is an entry in ClinVar:

ClinVar aggregate classification (germline): Uncertain significance (1 of 4 stars; one submission).

Conditions:
X-linked severe combined immunodeficiency (SCIDX1). Also called: X-Linked Combined Immunodeficiency Diseases; IMMUNODEFICIENCY 4; SCID, X-LINKED; SEVERE COMBINED IMMUNODEFICIENCY, X-LINKED, T CELL-NEGATIVE, B CELL-POSITIVE, NK CELL-NEGATIVE; T-B+ severe combined immunodeficiency due to gamma chain deficiency. Identifiers: Orphanet 276, MedGen C6022468, MONDO:0010315, OMIM 300400. Disease mechanism: loss of function.

Submission:

Labcorp Genetics (formerly Invitae), Labcorp
Classification: Uncertain significance for X-linked severe combined immunodeficiency. Last evaluated: 2023-12-30. Review status: criteria provided, single submitter. Criteria: Invitae Variant Classification Sherloc (09022015). Collection method: clinical testing. Allele origin: germline.
Comment: This sequence change replaces proline, which is neutral and non-polar, with alanine, which is neutral and non-polar, at codon 255 of the IL2RG protein (p.Pro255Ala). This variant is not present in population databases (gnomAD no frequency). This variant has not been reported in the literature in individuals affected with IL2RG-related conditions. Advanced modeling of protein sequence and biophysical properties (such as structural, functional, and spatial information, amino acid conservation, physicochemical variation, residue mobility, and thermodynamic stability) performed at Invitae indicates that this missense variant is not expected to disrupt IL2RG protein function with a negative predictive value of 80%. In summary, the available evidence is currently insufficient to determine the role of this variant in disease. Therefore, it has been classified as a Variant of Uncertain Significance.

NM_000206.3(IL2RG):c.763C>G (p.Pro255Ala)

Gene: IL2RG (interleukin 2 receptor subunit gamma; minus strand). Cytogenetic location: Xq13.1.
Variant type: single nucleotide variant.
Coding change: c.763C>G on transcript NM_000206.3 (MANE Select); coding-DNA position 763, C replaced by G.
Protein change: p.Pro255Ala; replaces proline 255 with alanine.
Molecular consequence: missense variant.
Genome position (GRCh38, 1-based): chrX:71,108,690, G>C on the plus strand (C>G on the coding strand, the complement: IL2RG is on the minus strand). VCF-style: chrX-71108690-G-C. GRCh37 (hg19) VCF-style: chrX-70328540-G-C.
Other names: short protein forms P255A.
Identifiers: ClinVar variation 2775986 (VCV002775986.3), dbSNP rs2521703639, ClinGen allele CA413628811.